The following is an entry in ClinVar:

NM_014956.5(CEP164):c.1444C>T (p.Gln482Ter)

Gene: CEP164 (centrosomal protein 164; plus strand). Cytogenetic location: 11q23.3.
Variant type: single nucleotide variant.
Coding change: c.1444C>T on transcript NM_014956.5 (MANE Select); coding-DNA position 1444, C replaced by T.
Protein change: p.Gln482Ter; replaces glutamine 482 with a stop codon.
Molecular consequence: nonsense.
Genome position (GRCh38, 1-based): chr11:117,381,735, C>T. VCF-style: chr11-117381735-C-T. GRCh37 (hg19) VCF-style: chr11-117252451-C-T.
Other names: c.1453C>T, p.Gln485Ter (NM_001271933.2); short protein forms Q485*, Q482*.
Identifiers: ClinVar variation 1454912 (VCV001454912.6), dbSNP rs2136139535, ClinGen allele CA382742294.
Genomic context (GRCh38, chr11:117,381,735, plus strand): 5'-TCTGCTGCTCTGCCCGGCCTGACCAGGTTATCTCCTCCACTTCCACACGAGGAGCGGGCC[C>T]AGAGTCCCCCTCGCAGCCTGGCCACTGAAGAAGAGCCTCCCCAGGGCCCCGAGGGGCAGC-3'

ClinVar aggregate classification (germline): Pathogenic (1 of 4 stars; one submission).

Conditions:
Nephronophthisis 15 (NPHP15). Identifiers: Orphanet 3156, MedGen C3541853, MONDO:0013917, OMIM 614845.

Submission:

Labcorp Genetics (formerly Invitae), Labcorp
Classification: Pathogenic for Nephronophthisis 15. Last evaluated: 2021-12-09. Review status: criteria provided, single submitter. Criteria: Invitae Variant Classification Sherloc (09022015). Collection method: clinical testing. Allele origin: germline.
Comment: For these reasons, this variant has been classified as Pathogenic. This variant has not been reported in the literature in individuals affected with CEP164-related conditions. This variant is not present in population databases (gnomAD no frequency). This sequence change creates a premature translational stop signal (p.Gln482*) in the CEP164 gene. It is expected to result in an absent or disrupted protein product. Loss-of-function variants in CEP164 are known to be pathogenic (PMID: 22863007, 28125082, 32367404, 34132027, 34499853).

Literature cited by the submitters: PubMed 22863007; PubMed 28125082; PubMed 32367404; PubMed 34132027; PubMed 34499853.